The following is an entry in ClinVar:

ClinVar aggregate classification (germline): Likely benign. Review status: criteria provided, multiple submitters, no conflicts (2 of 4 stars). 2 submissions from 2 submitters: Likely benign (2). Last evaluated 2026-01-14.

Conditions:
Pyridoxal phosphate-responsive seizures (PNPOD). Also called: Pyridoxal 5'-Phosphate (PLP)-Dependent Epilepsy; EPILEPTIC ENCEPHALOPATHY, NEONATAL, PNPO-RELATED; Pyridoxamine 5-Prime-Phosphate Oxidase Deficiency; Pyridoxine-5'-phosphate oxidase deficiency; SEIZURES, PYRIDOXINE-RESISTANT, PLP-SENSITIVE. Identifiers: Orphanet 79096, MedGen C1864723, MONDO:0012407, OMIM 610090. Disease mechanism: loss of function.

Allele frequency attached by ClinVar (database versions not stated): gnomAD exomes 0.00004 and 0.00005; ExAC 0.00010; gnomAD below 0.00001 and 0.00001; TOPMed below 0.00001.

Submissions (2):

Labcorp Genetics (formerly Invitae), Labcorp
Classification: Likely benign for Pyridoxal phosphate-responsive seizures. Last evaluated: 2026-01-14. Review status: criteria provided, single submitter. Criteria: Invitae Variant Classification Sherloc (09022015). Collection method: clinical testing. Allele origin: germline.

GeneDx
Classification: Likely benign. Last evaluated: 2016-08-29. Review status: criteria provided, single submitter. Criteria: GeneDx Variant Classification (06012015). Collection method: clinical testing. Allele origin: germline. Affected: yes.
Comment: This variant is considered likely benign or benign based on one or more of the following criteria: it is a conservative change, it occurs at a poorly conserved position in the protein, it is predicted to be benign by multiple in silico algorithms, and/or has population frequency not consistent with disease.

NM_018129.4(PNPO):c.138+13G>A

Gene: PNPO (pyridoxamine 5'-phosphate oxidase; plus strand). Cytogenetic location: 17q21.32.
Variant type: single nucleotide variant.
Coding change: c.138+13G>A on transcript NM_018129.4 (MANE Select); 13 bases into the intron after coding-DNA position 138, G replaced by A.
Molecular consequence: intron variant.
Genome position (GRCh38, 1-based): chr17:47,941,826, G>A. VCF-style: chr17-47941826-G-A. GRCh37 (hg19) VCF-style: chr17-46019192-G-A.
Identifiers: ClinVar variation 388910 (VCV000388910.5), dbSNP rs757114373, ClinGen allele CA8629103.
Genomic context (GRCh38, chr17:47,941,826, plus strand): 5'-GCCATGGACCTGGGACCCATGCGCAAGAGTTACCGCGGGGACCGAGAGGTGCCGCCGCTA[G>A]GGCCAGGCCTCCTGCAGGGGCGGGGGAAAAGGGGTCCCCGGAGTCATCTACAGCGGGGAG-3'